The following is an entry in ClinVar:

ClinVar aggregate classification (germline): Conflicting classifications of pathogenicity. Review status: criteria provided, conflicting classifications (1 of 4 stars). 15 submissions from 14 submitters: Uncertain significance (2); Benign (2); Likely benign (6). 5 of the submissions do not count toward it. Last evaluated 2026-01-08.

Conditions:
MYH9-related disorder. Identifiers: MedGen C1854520.
Autosomal dominant nonsyndromic hearing loss 17. Also called: Autosomal dominant nonsyndromic deafness 17; Deafness, autosomal dominant 17. Identifiers: Orphanet 90635, MedGen C1863659, MONDO:0011350, OMIM 603622.

Allele frequency attached by ClinVar (database versions not stated): 1000 Genomes Project 0.00040; 1000 Genomes Project 30x 0.00047; gnomAD exomes 0.00184; gnomAD 0.00194 and 0.00195; ExAC 0.00209; TOPMed 0.00223; ESP Exome Variant Server 0.00331.
gnomAD v4.1: 4,640 of 1,612,714 alleles (0.29%); highest among the groups gnomAD compares: Middle Eastern, 0.41%; 9 homozygotes.

Submissions (15):

Labcorp Genetics (formerly Invitae), Labcorp
Classification: Likely benign. Last evaluated: 2026-01-08. Review status: criteria provided, single submitter. Criteria: Invitae Variant Classification Sherloc (09022015). Collection method: clinical testing. Allele origin: germline.

Blueprint Genetics
Classification: Likely benign. Last evaluated: 2024-11-28. Review status: criteria provided, single submitter. Criteria: ACMG Guidelines, 2015. Collection method: clinical testing. Allele origin: germline.

CeGaT Center for Human Genetics Tuebingen
Classification: Likely benign. Last evaluated: 2024-09-01. Review status: criteria provided, single submitter. Criteria: CeGaT Center For Human Genetics Tuebingen Variant Classification Criteria Version 2. Collection method: clinical testing. Allele origin: germline. Affected: yes. Observed: 1 variant allele.
Comment: MYH9: BS1

Mayo Clinic Laboratories, Mayo Clinic
Classification: Likely benign. Last evaluated: 2024-01-24. Review status: criteria provided, single submitter. Criteria: ACMG Guidelines, 2015. Collection method: clinical testing. Allele origin: germline. Observed: 7 variant alleles.
Comment: BS1, PP3

GeneDx
Classification: Likely benign. Last evaluated: 2021-05-25. Review status: criteria provided, single submitter. Criteria: GeneDx Variant Classification Process June 2021. Collection method: clinical testing. Allele origin: germline. Affected: yes.
Comment: This variant is associated with the following publications: (PMID: 26343384, 29090586)

Genetic Services Laboratory, University of Chicago
Classification: Uncertain significance. Last evaluated: 2019-05-14. Review status: criteria provided, single submitter. Criteria: ACMG Guidelines, 2015. Collection method: clinical testing. Allele origin: germline. Affected: no.

Illumina Laboratory Services, Illumina
Classification: Benign for MYH9-related disorder. Last evaluated: 2018-01-12. Review status: criteria provided, single submitter. Criteria: ICSL Variant Classification Criteria 13 December 2019. Collection method: clinical testing. Allele origin: germline.
Comment: This variant was observed in the ICSL laboratory as part of a predisposition screen in an ostensibly healthy population. It had not been previously curated by ICSL or reported in the Human Gene Mutation Database (HGMD: prior to June 1st, 2018), and was therefore a candidate for classification through an automated scoring system. Utilizing variant allele frequency, disease prevalence and penetrance estimates, and inheritance mode, an automated score was calculated to assess if this variant is too frequent to cause the disease. Based on the score and internal cut-off values, a variant classified as benign is not then subjected to further curation. The score for this variant resulted in a classification of benign for this disease.

Illumina Laboratory Services, Illumina
Classification: Likely benign for Autosomal dominant nonsyndromic hearing loss 17. Last evaluated: 2018-01-12. Review status: criteria provided, single submitter. Criteria: ICSL Variant Classification Criteria 13 December 2019. Collection method: clinical testing. Allele origin: germline.
Comment: This variant was observed in the ICSL laboratory as part of a predisposition screen in an ostensibly healthy population. It had not been previously curated by ICSL or reported in the Human Gene Mutation Database (HGMD: prior to June 1st, 2018), and was therefore a candidate for classification through an automated scoring system. Utilizing variant allele frequency, disease prevalence and penetrance estimates, and inheritance mode, an automated score was calculated to assess if this variant is too frequent to cause the disease. Based on the score and internal cut-off values, a variant classified as likely benign is not then subjected to further curation. The score for this variant resulted in a classification of likely benign for this disease.

Eurofins Ntd Llc (ga)
Classification: Uncertain significance. Last evaluated: 2016-09-14. Review status: criteria provided, single submitter. Criteria: EGL Classification Definitions 2015. Collection method: clinical testing. Allele origin: germline. Observed: 1 variant allele, 1 heterozygote.

Laboratory for Molecular Medicine, Mass General Brigham Personalized Medicine
Classification: Benign. Last evaluated: 2012-04-30. Review status: criteria provided, single submitter. Criteria: LMM Criteria. Collection method: clinical testing. Allele origin: germline. Observed: 11 variant alleles.
Comment: Arg1466Trp in Exon 32 of MYH9: This variant is not expected to have clinical sig nificance because it has been identified in 0.5% (35/7020) of European American chromosomes from a broad population by the NHLBI Exome Sequencing Project (dbSNP rs139134727).

PreventionGenetics, part of Exact Sciences
Classification: Likely benign for MYH9-related condition. Last evaluated: 2019-07-16. Review status: no assertion criteria provided. Collection method: clinical testing. Allele origin: germline. Not counted in ClinVar's aggregate classification.
Comment: This variant is classified as likely benign based on ACMG/AMP sequence variant interpretation guidelines (Richards et al. 2015 PMID: 25741868, with internal and published modifications).

Clinical Genetics DNA and cytogenetics Diagnostics Lab, Erasmus MC, Erasmus Medical Center
Classification: Likely benign. Review status: no assertion criteria provided. Collection method: clinical testing. Allele origin: germline. Affected: yes. Study: VKGL Data-share Consensus. Not counted in ClinVar's aggregate classification.

Diagnostic Laboratory, Department of Genetics, University Medical Center Groningen
Classification: Likely benign. Review status: no assertion criteria provided. Collection method: clinical testing. Allele origin: germline. Affected: yes. Study: VKGL Data-share Consensus. Not counted in ClinVar's aggregate classification.

Genome Diagnostics Laboratory, University Medical Center Utrecht
Classification: Likely benign. Review status: no assertion criteria provided. Collection method: clinical testing. Allele origin: germline. Affected: yes. Study: VKGL Data-share Consensus. Not counted in ClinVar's aggregate classification.

Laboratory of Diagnostic Genome Analysis, Leiden University Medical Center (LUMC)
Classification: Likely benign. Review status: no assertion criteria provided. Collection method: clinical testing. Allele origin: germline. Affected: yes. Study: VKGL Data-share Consensus. Not counted in ClinVar's aggregate classification.

NM_002473.6(MYH9):c.4396C>T (p.Arg1466Trp)

Gene: MYH9 (myosin heavy chain 9; minus strand). Cytogenetic location: 22q12.3.
Variant type: single nucleotide variant.
Coding change: c.4396C>T on transcript NM_002473.6 (MANE Select); coding-DNA position 4396, C replaced by T.
Protein change: p.Arg1466Trp; replaces arginine 1466 with tryptophan.
Molecular consequence: missense variant.
Genome position (GRCh38, 1-based): chr22:36,289,246, G>A on the plus strand (C>T on the coding strand, the complement: MYH9 is on the minus strand). VCF-style: chr22-36289246-G-A. GRCh37 (hg19) VCF-style: chr22-36685292-G-A.
Other names: short protein forms R1466W.
Identifiers: ClinVar variation 164435 (VCV000164435.51), dbSNP rs139134727, ClinGen allele CA177087.